The following is an entry in ClinVar:

NM_001184.4(ATR):c.221A>G (p.His74Arg)

Gene: ATR (ATR checkpoint kinase; minus strand). Cytogenetic location: 3q23.
Variant type: single nucleotide variant.
Coding change: c.221A>G on transcript NM_001184.4 (MANE Select); coding-DNA position 221, A replaced by G.
Protein change: p.His74Arg; replaces histidine 74 with arginine.
Molecular consequence: missense variant.
Genome position (GRCh38, 1-based): chr3:142,566,192, T>C on the plus strand (A>G on the coding strand, the complement: ATR is on the minus strand). VCF-style: chr3-142566192-T-C. GRCh37 (hg19) VCF-style: chr3-142285034-T-C.
Other names: c.221A>G, p.His74Arg (NM_001354579.2); short protein forms H74R.
Identifiers: ClinVar variation 3221076 (VCV003221076.1), dbSNP rs2108494238, ClinGen allele CA354828524.

ClinVar aggregate classification (germline): Uncertain significance (1 of 4 stars; one submission).

Conditions:
Inborn genetic diseases. Identifiers: MedGen C0950123, MeSH D030342.

Allele frequency attached by ClinVar (database versions not stated): gnomAD exomes below 0.00001.
gnomAD v4.1: 1 of 1,614,078 alleles (0.000062%); highest among the groups gnomAD compares: Non-Finnish European, 0.000085%; no homozygotes.

Submission:

Ambry Genetics
Classification: Uncertain significance for Inborn genetic diseases. Last evaluated: 2023-11-06. Review status: criteria provided, single submitter. Criteria: Ambry Variant Classification Scheme 2023. Collection method: clinical testing. Allele origin: germline.
Comment: The p.H74R variant (also known as c.221A>G), located in coding exon 3 of the ATR gene, results from an A to G substitution at nucleotide position 221. The histidine at codon 74 is replaced by arginine, an amino acid with highly similar properties. This amino acid position is conserved. In addition, the in silico prediction for this alteration is inconclusive. Since supporting evidence is limited at this time, the clinical significance of this alteration remains unclear.